The following is an entry in ClinVar:

NM_004369.4(COL6A3):c.4667T>A (p.Val1556Glu)

Gene: COL6A3 (collagen type VI alpha 3 chain; minus strand). Cytogenetic location: 2q37.3.
Variant type: single nucleotide variant.
Coding change: c.4667T>A on transcript NM_004369.4 (MANE Select); coding-DNA position 4667, T replaced by A.
Protein change: p.Val1556Glu; replaces valine 1556 with glutamic acid.
Molecular consequence: missense variant.
Genome position (GRCh38, 1-based): chr2:237,368,796, A>T on the plus strand (T>A on the coding strand, the complement: COL6A3 is on the minus strand). VCF-style: chr2-237368796-A-T. GRCh37 (hg19) VCF-style: chr2-238277439-A-T.
Other names: c.2846T>A, p.Val949Glu (NM_057166.5); c.4049T>A, p.Val1350Glu (NM_057167.4); short protein forms V1350E, V1556E, V949E.
Identifiers: ClinVar variation 1440235 (VCV001440235.10), dbSNP rs375207869, ClinGen allele CA351192601.

ClinVar aggregate classification (germline): Uncertain significance (1 of 4 stars; one submission).

Conditions:
Bethlem myopathy 1A. Also called: MYOPATHY, BENIGN CONGENITAL, WITH CONTRACTURES; Bethlem Muscular Dystrophy; Bethlem myopathy 1. Identifiers: Orphanet 610, MedGen CN029274, MONDO:0024530, OMIM 158810.

Submission:

Labcorp Genetics (formerly Invitae), Labcorp
Classification: Uncertain significance for Bethlem myopathy 1A. Last evaluated: 2021-04-23. Review status: criteria provided, single submitter. Criteria: Invitae Variant Classification Sherloc (09022015). Collection method: clinical testing. Allele origin: germline.
Comment: In summary, the available evidence is currently insufficient to determine the role of this variant in disease. Therefore, it has been classified as a Variant of Uncertain Significance. Advanced modeling of protein sequence and biophysical properties (such as structural, functional, and spatial information, amino acid conservation, physicochemical variation, residue mobility, and thermodynamic stability) performed at Invitae indicates that this missense variant is not expected to disrupt COL6A3 protein function. This variant has not been reported in the literature in individuals with COL6A3-related conditions. This variant is not present in population databases (ExAC no frequency). This sequence change replaces valine with glutamic acid at codon 1556 of the COL6A3 protein (p.Val1556Glu). The valine residue is highly conserved and there is a moderate physicochemical difference between valine and glutamic acid.